The following is an entry in ClinVar:

NM_007294.4(BRCA1):c.3143G>T (p.Gly1048Val)

Gene: BRCA1 (BRCA1 DNA repair associated; minus strand). Cytogenetic location: 17q21.31.
Variant type: single nucleotide variant.
Coding change: c.3143G>T on transcript NM_007294.4 (MANE Select); coding-DNA position 3143, G replaced by T.
Protein change: p.Gly1048Val; replaces glycine 1048 with valine.
Molecular consequence: missense variant. On other transcripts: intron variant (137).
Genome position (GRCh38, 1-based): chr17:43,092,388, C>A on the plus strand (G>T on the coding strand, the complement: BRCA1 is on the minus strand). VCF-style: chr17-43092388-C-A. GRCh37 (hg19) VCF-style: chr17-41244405-C-A.
Other names: p.G1048V:GGT>GTT; c.2930G>T, p.Gly977Val (NM_001407571.1, NM_001407853.1, NM_001407894.1 and 9 more transcripts); c.3143G>T, p.Gly1048Val (NM_001407581.1, NM_001407582.1, NM_001407583.1 and 30 more transcripts); c.3140G>T, p.Gly1047Val (NM_001407587.1, NM_001407590.1, NM_001407591.1 and 22 more transcripts); c.3134G>T, p.Gly1045Val (NM_001407646.1, NM_001407647.1); c.3020G>T, p.Gly1007Val (NM_001407648.1, NM_001407664.1, NM_001407665.1 and 19 more transcripts); c.3017G>T, p.Gly1006Val (NM_001407649.1, NM_001407670.1, NM_001407671.1 and 11 more transcripts); c.3065G>T, p.Gly1022Val (NM_001407653.1, NM_001407654.1, NM_001407655.1 and 4 more transcripts); and 42 more; short protein forms G1048V, G1001V, G1007V, G1022V, G1045V, G1047V, G960V, G980V.
Identifiers: ClinVar variation 54777 (VCV000054777.31), dbSNP rs80356899, ClinGen allele CA002049.

ClinVar aggregate classification (germline): Benign. Review status: reviewed by expert panel (3 of 4 stars). 9 submissions from 9 submitters: Benign (1). 8 of the submissions do not count toward it. Last evaluated 2019-06-18.

Conditions:
BRCA1-related cancer predisposition. Identifiers: MedGen CN377757, MONDO:0700268.
Hereditary cancer-predisposing syndrome. Also called: Tumor predisposition; Neoplastic Syndromes, Hereditary; Hereditary Cancer Syndrome; Hereditary neoplastic syndrome. Identifiers: Orphanet 140162, MedGen C0027672, MeSH D009386, MONDO:0015356.
Hereditary breast ovarian cancer syndrome. Also called: Hereditary breast and ovarian cancer syndrome (HBOC); Hereditary breast and ovarian cancer syndrome; Hereditary breast and ovarian cancer; Hereditary breast and/or ovarian cancer syndrome; Breast and ovarian cancer; BRCA1- and BRCA2-Associated Hereditary Breast and Ovarian Cancer. Identifiers: Orphanet 145, MedGen C0677776, MeSH D061325, MONDO:0003582. Disease mechanism: loss of function.
Breast-ovarian cancer, familial, susceptibility to, 1 (BROVCA1). Also called: OVARIAN CANCER, SUSCEPTIBILITY TO; BRCA1 Hereditary Breast and Ovarian Cancer. Identifiers: Orphanet 145, MedGen C2676676, MONDO:0011450, OMIM 604370. Disease mechanism: loss of function.

gnomAD v4.1: 8 of 1,613,870 alleles (0.0005%); highest among the groups gnomAD compares: South Asian, 0.0022%; no homozygotes.

Submissions (9):

Evidence-based Network for the Interpretation of Germline Mutant Alleles (ENIGMA)
Classification: Benign for Breast-ovarian cancer, familial, susceptibility to, 1. Last evaluated: 2019-06-18. Review status: reviewed by expert panel. Criteria: ENIGMA BRCA1/2 Classification Criteria (2017-06-29). Collection method: curation. Allele origin: germline.
Comment: IARC class based on posterior probability from multifactorial likelihood analysis, thresholds for class as per Plon et al. 2008 (PMID: 18951446). Class 1 based on posterior probability = 0.000314

Labcorp Genetics (formerly Invitae), Labcorp
Classification: Likely benign for Hereditary breast ovarian cancer syndrome. Last evaluated: 2026-01-26. Review status: criteria provided, single submitter. Criteria: Invitae Variant Classification Sherloc (09022015). Collection method: clinical testing. Allele origin: germline. Not counted in ClinVar's aggregate classification.

Ambry Genetics
Classification: Uncertain significance for Hereditary cancer-predisposing syndrome. Last evaluated: 2025-07-18. Review status: criteria provided, single submitter. Criteria: Ambry Variant Classification Scheme 2023. Collection method: clinical testing. Allele origin: germline. Not counted in ClinVar's aggregate classification.
Comment: The p.G1048V variant (also known as c.3143G>T), located in coding exon 9 of the BRCA1 gene, results from a G to T substitution at nucleotide position 3143. The glycine at codon 1048 is replaced by valine, an amino acid with dissimilar properties. This amino acid position is not well conserved in available vertebrate species. In addition, the in silico prediction for this alteration is inconclusive. Based on the available evidence, the clinical significance of this variant remains unclear.

Women's Health and Genetics/Laboratory Corporation of America, LabCorp
Classification: Likely benign. Last evaluated: 2025-04-22. Review status: criteria provided, single submitter. Criteria: LabCorp Variant Classification Summary - May 2015. Collection method: clinical testing. Allele origin: germline. Not counted in ClinVar's aggregate classification.
Comment: Variant summary: BRCA1 c.3143G>T (p.Gly1048Val) results in a non-conservative amino acid change in the encoded protein sequence. Four of five in-silico tools predict a benign effect of the variant on protein function. The variant allele was found at a frequency of 4e-06 in 251002 control chromosomes (gnomAD). The available data on variant occurrences in the general population are insufficient to allow any conclusion about variant significance. To our knowledge, no occurrence of c.3143G>T in individuals affected with Hereditary Breast And Ovarian Cancer Syndrome and no experimental evidence demonstrating its impact on protein function have been reported. Two reports from the CAGI5 (fifth Critical Assessment of Genome Interpretation) challenge have classified this variant as benign in a prediction protocol that includes assessment of the impact of this variant on splicing and protein function using four sets of predictors (Cline_2019, Padilla_2019). The following publications have been ascertained in the context of this evaluation (PMID: 15385441, 23893897, 25011685, 31112341, 31294896). ClinVar contains an entry for this variant (Variation ID: 54777). Based on the evidence outlined above, the variant was classified as likely benign.

Color Diagnostics, LLC DBA Color Health
Classification: Uncertain significance for Hereditary cancer-predisposing syndrome. Last evaluated: 2024-08-06. Review status: criteria provided, single submitter. Criteria: ACMG Guidelines, 2015. Collection method: clinical testing. Allele origin: germline. Not counted in ClinVar's aggregate classification.
Comment: This missense variant replaces glycine with valine at codon 1048 of the BRCA1 protein. Computational prediction suggests that this variant may not impact protein structure and function. To our knowledge, functional studies have not been reported for this variant. Multifactorial analyses have reported likelihood ratios for pathogenicity based on co-occurrence with a pathogenic variant, family history and personal and family history of 1.1391, 0.0135 and 1.043, respectively (PMID: 31131967, 31853058). This variant has been identified in 1/251002 chromosomes in the general population by the Genome Aggregation Database (gnomAD). Although there is a suspicion that this variant may not be associated with disease, additional studies are necessary to determine the role of this variant in disease conclusively. Therefore, this variant is classified as a Variant of Uncertain Significance.

All of Us Research Program, National Institutes of Health
Classification: Uncertain significance for BRCA1-related cancer predisposition. Last evaluated: 2024-04-10. Review status: criteria provided, single submitter. Criteria: ACMG Guidelines, 2015. Collection method: clinical testing. Allele origin: germline. Inheritance: Autosomal dominant inheritance. Observed: 5 variant alleles, 5 heterozygotes. Not counted in ClinVar's aggregate classification.
Comment: This missense variant replaces glycine with valine at codon 1048 of the BRCA1 protein. Computational prediction suggests that this variant may not impact protein structure and function (internally defined REVEL score threshold <= 0.5, PMID: 27666373). To our knowledge, functional studies have not been reported for this variant. A multifactorial analysis has reported co-occurrence and family history likelihood ratios of 1.1391 and 0.0135, respectively (PMID: 31131967). This variant has been identified in 1/251002 chromosomes in the general population by the Genome Aggregation Database (gnomAD). Although there is a suspicion that this variant may not be associated with disease, additional studies are necessary to determine the role of this variant in disease conclusively. Therefore, this variant is classified as a Variant of Uncertain Significance.

This study involves interpretation of variants in research participants for the purpose of population health screening. Participant phenotype was not available at the time of variant classification. Additional details can be found in publication PMID: 35346344, PMCID: PMC8962531

ARUP Laboratories, Molecular Genetics and Genomics, ARUP Laboratories
Classification: Likely benign. Last evaluated: 2021-10-21. Review status: criteria provided, single submitter. Criteria: ARUP Molecular Germline Variant Investigation Process 2021. Collection method: clinical testing. Allele origin: germline. Not counted in ClinVar's aggregate classification.

GeneDx
Classification: Uncertain significance. Last evaluated: 2015-08-04. Review status: criteria provided, single submitter. Criteria: GeneDx Variant Classification (06012015). Collection method: clinical testing. Allele origin: germline. Affected: yes. Not counted in ClinVar's aggregate classification.
Comment: This variant is denoted BRCA1 c.3143G>T at the cDNA level, p.Gly1048Val (G1048V) at the protein level, and results in the change of a Glycine to a Valine (GGT>GTT). Using alternate nomenclature, this variant would be defined as BRCA1 3262G>T. This variant has not, to our knowledge, been published in the literature as pathogenic or benign. BRCA1 Gly1048Val was not observed in approximately 6,500 individuals of European and African American ancestry in the NHLBI Exome Sequencing Project, indicating it is not a common benign variant in these populations. Since Glycine and Valine share similar properties, this is considered a conservative amino acid substitution. BRCA1 Gly1048Val occurs at a position that is not conserved and is located within the DNA-binding domain and the region of interaction with RAD51 and BASC (UniProt). In silico analyses predict that this variant is unlikely to alter protein structure or function. Based on currently available information, it is unclear whether BRCA1 Gly1048Val is pathogenic or benign. We consider it to be a variant of uncertain significance.

Breast Cancer Information Core (BIC) (BRCA1)
Classification: Uncertain significance for Breast-ovarian cancer, familial 1. Last evaluated: 2004-02-20. Review status: no assertion criteria provided. Collection method: clinical testing. Allele origin: germline. Affected: yes. Observed: 2 variant alleles. Not counted in ClinVar's aggregate classification.

Literature cited by the submitters: PubMed 31131967 (cited by 4 submitters); PubMed 25011685 (cited by Ambry Genetics and Women's Health and Genetics/Laboratory Corporation of America, LabCorp); PubMed 15385441 (cited by Women's Health and Genetics/Laboratory Corporation of America, LabCorp); PubMed 23893897 (cited by Women's Health and Genetics/Laboratory Corporation of America, LabCorp); PubMed 31112341 (cited by Women's Health and Genetics/Laboratory Corporation of America, LabCorp); PubMed 31294896 (cited by Women's Health and Genetics/Laboratory Corporation of America, LabCorp); PubMed 31853058 (cited by Color Diagnostics, LLC DBA Color Health).